The following is an entry in ClinVar:

ClinVar aggregate classification (germline): Uncertain significance (1 of 4 stars; one submission).

Conditions:
Developmental and epileptic encephalopathy, 54. Also called: Epileptic encephalopathy, early infantile, 54; HNRNPU-Related Neurodevelopmental Disorder. Identifiers: MedGen C4479319, MONDO:0033363, OMIM 617391.

gnomAD v4.1: 2 of 1,614,114 alleles (0.00012%); highest among the groups gnomAD compares: Non-Finnish European, 0.00017%; no homozygotes.

Submission:

Labcorp Genetics (formerly Invitae), Labcorp
Classification: Uncertain significance for Developmental and epileptic encephalopathy, 54. Last evaluated: 2024-06-13. Review status: criteria provided, single submitter. Criteria: Invitae Variant Classification Sherloc (09022015). Collection method: clinical testing. Allele origin: germline.
Comment: This sequence change replaces lysine, which is basic and polar, with asparagine, which is neutral and polar, at codon 423 of the HNRNPU protein (p.Lys423Asn). This variant is not present in population databases (gnomAD no frequency). This variant has not been reported in the literature in individuals affected with HNRNPU-related conditions. Advanced modeling of protein sequence and biophysical properties (such as structural, functional, and spatial information, amino acid conservation, physicochemical variation, residue mobility, and thermodynamic stability) performed at Invitae indicates that this missense variant is expected to disrupt HNRNPU protein function with a positive predictive value of 80%. In summary, the available evidence is currently insufficient to determine the role of this variant in disease. Therefore, it has been classified as a Variant of Uncertain Significance.

NM_031844.3(HNRNPU):c.1269G>C (p.Lys423Asn)

Gene: HNRNPU (heterogeneous nuclear ribonucleoprotein U; minus strand). Cytogenetic location: 1q44.
Variant type: single nucleotide variant.
Coding change: c.1269G>C on transcript NM_031844.3 (MANE Select); coding-DNA position 1269, G replaced by C.
Protein change: p.Lys423Asn; replaces lysine 423 with asparagine.
Molecular consequence: missense variant.
Genome position (GRCh38, 1-based): chr1:244,858,236, C>G on the plus strand (G>C on the coding strand, the complement: HNRNPU is on the minus strand). VCF-style: chr1-244858236-C-G. GRCh37 (hg19) VCF-style: chr1-245021538-C-G.
Other names: c.1212G>C, p.Lys404Asn (NM_004501.3); short protein forms K423N, K404N.
Identifiers: ClinVar variation 3656597 (VCV003656597.2).
Genomic context (GRCh38, chr1:244,858,236, plus strand): 5'-TGGCCGTCCAGCAAGAACTTCCTTACTGATTTTGAAGGCAACGCCAAGATCTTGTCCATT[C>G]TTAGCATACGAGAGTTCTACTTCATCACTTTCAAAGTTCTGTTACACAGAAAAAAATTCA-3'
Protein context (NP_114032.2, residues 413-433): ESDEVELSYA[Lys423Asn]NGQDLGVAFK